The following is an entry in ClinVar:

NM_000069.3(CACNA1S):c.3692C>G (p.Ser1231Cys)

Gene: CACNA1S (calcium voltage-gated channel subunit alpha1 S; minus strand). Cytogenetic location: 1q32.1.
Variant type: single nucleotide variant.
Coding change: c.3692C>G on transcript NM_000069.3 (MANE Select); coding-DNA position 3692, C replaced by G.
Protein change: p.Ser1231Cys; replaces serine 1231 with cysteine.
Molecular consequence: missense variant.
Genome position (GRCh38, 1-based): chr1:201,053,562, G>C on the plus strand (C>G on the coding strand, the complement: CACNA1S is on the minus strand). VCF-style: chr1-201053562-G-C. GRCh37 (hg19) VCF-style: chr1-201022690-G-C.
Other names: short protein forms S1231C.
Identifiers: ClinVar variation 3239479 (VCV003239479.20), dbSNP rs1469317229.

ClinVar aggregate classification (germline): Uncertain significance. Review status: criteria provided, multiple submitters, no conflicts (2 of 4 stars). 2 submissions from 2 submitters: Uncertain significance (2). Last evaluated 2025-11-09.

Conditions:
Malignant hyperthermia, susceptibility to, 5 (MHS5). Also called: CACNA1S-Related Malignant Hyperthermia Susceptibility. Identifiers: Orphanet 423, MedGen C1866077, MONDO:0011163, OMIM 601887.
Hypokalemic periodic paralysis, type 1. Also called: HypoPP; Hypokalemic Periodic Paralysis Type 1 (AD). Identifiers: Orphanet 681, MedGen C3714580, MONDO:0042979, OMIM 170400.

Allele frequency attached by ClinVar (database versions not stated): TOPMed below 0.00001; gnomAD 0.00001.
gnomAD v4.1: 1 of 1,613,702 alleles (0.000062%); highest among the groups gnomAD compares: Non-Finnish European, 0.000085%; no homozygotes.

Submissions (2):

Labcorp Genetics (formerly Invitae), Labcorp
Classification: Uncertain significance for Hypokalemic periodic paralysis, type 1; Malignant hyperthermia, susceptibility to, 5. Last evaluated: 2025-11-09. Review status: criteria provided, single submitter. Criteria: Invitae Variant Classification Sherloc (09022015). Collection method: clinical testing. Allele origin: germline.
Comment: This sequence change replaces serine, which is neutral and polar, with cysteine, which is neutral and slightly polar, at codon 1231 of the CACNA1S protein (p.Ser1231Cys). This variant is not present in population databases (gnomAD no frequency). This variant has not been reported in the literature in individuals affected with CACNA1S-related conditions. ClinVar contains an entry for this variant (Variation ID: 3239479). Invitae Evidence Modeling of protein sequence and biophysical properties (such as structural, functional, and spatial information, amino acid conservation, physicochemical variation, residue mobility, and thermodynamic stability) has been performed for this missense variant. However, the output from this modeling did not meet the statistical confidence thresholds required to predict the impact of this variant on CACNA1S protein function. In summary, the available evidence is currently insufficient to determine the role of this variant in disease. Therefore, it has been classified as a Variant of Uncertain Significance.

CeGaT Center for Human Genetics Tuebingen
Classification: Uncertain significance. Last evaluated: 2024-05-01. Review status: criteria provided, single submitter. Criteria: CeGaT Center For Human Genetics Tuebingen Variant Classification Criteria Version 2. Collection method: clinical testing. Allele origin: germline. Affected: yes. Observed: 1 variant allele.
Comment: CACNA1S: PM2, PP3